The following is an entry in ClinVar:

NM_001365999.1(SZT2):c.6034+6A>G

Gene: SZT2 (SZT2 subunit of KICSTOR complex; plus strand). Cytogenetic location: 1p34.2.
Variant type: single nucleotide variant.
Coding change: c.6034+6A>G on transcript NM_001365999.1 (MANE Select); 6 bases into the intron after coding-DNA position 6034, A replaced by G.
Molecular consequence: intron variant.
Genome position (GRCh38, 1-based): chr1:43,435,335, A>G. VCF-style: chr1-43435335-A-G. GRCh37 (hg19) VCF-style: chr1-43901006-A-G.
Other names: c.5863+6A>G (NM_015284.4).
Identifiers: ClinVar variation 4743009 (VCV004743009.1).

ClinVar aggregate classification (germline): Uncertain significance (1 of 4 stars; one submission).

gnomAD v4.1: 3 of 1,613,786 alleles (0.00019%); highest among the groups gnomAD compares: Admixed American, 0.0017%; no homozygotes.

Submission:

Labcorp Genetics (formerly Invitae), Labcorp
Classification: Uncertain significance. Last evaluated: 2025-05-30. Review status: criteria provided, single submitter. Criteria: Invitae Variant Classification Sherloc (09022015). Collection method: clinical testing. Allele origin: germline.
Comment: This sequence change falls in intron 41 of the SZT2 gene. It does not directly change the encoded amino acid sequence of the SZT2 protein. It affects a nucleotide within the consensus splice site. This variant is not present in population databases (gnomAD no frequency). This variant has not been reported in the literature in individuals affected with SZT2-related conditions. Variants that disrupt the consensus splice site are a relatively common cause of aberrant splicing (PMID: 17576681, 9536098). Algorithms developed to predict the effect of sequence changes on RNA splicing suggest that this variant is not likely to affect RNA splicing. In summary, the available evidence is currently insufficient to determine the role of this variant in disease. Therefore, it has been classified as a Variant of Uncertain Significance.

Literature cited by the submitters: PubMed 17576681; PubMed 9536098.